The following is an entry in ClinVar:

ClinVar aggregate classification (germline): Uncertain significance (1 of 4 stars; one submission).

Conditions:
Inborn genetic diseases. Identifiers: MedGen C0950123, MeSH D030342.

gnomAD v4.1: 5 of 1,613,868 alleles (0.00031%); highest among the groups gnomAD compares: Admixed American, 0.0017%; no homozygotes.

Submission:

Ambry Genetics
Classification: Uncertain significance for Inborn genetic diseases. Last evaluated: 2026-08-31. Review status: criteria provided, single submitter. Criteria: Ambry Variant Classification Scheme 2023. Collection method: clinical testing. Allele origin: germline.
Comment: The c.2108G>A (p.R703H) alteration is located in exon 14 (coding exon 14) of the MED12L gene. This alteration results from a G to A substitution at nucleotide position 2108, causing the arginine (R) at amino acid position 703 to be replaced by a histidine (H). Based on data from gnomAD, the A allele has an overall frequency of <0.001% (1/251270) total alleles studied. The highest observed frequency was 0.003% (1/34584) of Latino alleles. Based on insufficient or conflicting evidence, the clinical significance of this alteration remains unclear.

NM_001393769.1(MED12L):c.2213G>A (p.Arg738His)

Gene: MED12L (mediator complex subunit 12L; plus strand). Cytogenetic location: 3q25.1.
Variant type: single nucleotide variant.
Coding change: c.2213G>A on transcript NM_001393769.1 (MANE Select); coding-DNA position 2213, G replaced by A.
Protein change: p.Arg738His; replaces arginine 738 with histidine.
Molecular consequence: missense variant.
Genome position (GRCh38, 1-based): chr3:151,193,629, G>A. VCF-style: chr3-151193629-G-A. GRCh37 (hg19) VCF-style: chr3-150911416-G-A.
Other names: c.2108G>A, p.Arg703His (NM_053002.6); short protein forms R703H, R738H.
Identifiers: ClinVar variation 5024242 (VCV005024242.1).